The following is an entry in ClinVar:

NM_006767.4(LZTR1):c.1858C>G (p.Leu620Val)

Gene: LZTR1 (leucine zipper like post translational regulator 1; plus strand). Cytogenetic location: 22q11.21.
Variant type: single nucleotide variant.
Coding change: c.1858C>G on transcript NM_006767.4 (MANE Select); coding-DNA position 1858, C replaced by G.
Protein change: p.Leu620Val; replaces leucine 620 with valine.
Molecular consequence: missense variant.
Genome position (GRCh38, 1-based): chr22:20,994,942, C>G. VCF-style: chr22-20994942-C-G. GRCh37 (hg19) VCF-style: chr22-21349231-C-G.
Other names: short protein forms L620V.
Identifiers: ClinVar variation 3994679 (VCV003994679.1).

ClinVar aggregate classification (germline): Uncertain significance (1 of 4 stars; one submission).

Conditions:
Cardiovascular phenotype. Identifiers: MedGen CN230736.
Hereditary cancer-predisposing syndrome. Also called: Tumor predisposition; Hereditary neoplastic syndrome; Neoplastic Syndromes, Hereditary; Hereditary Cancer Syndrome. Identifiers: Orphanet 140162, MedGen C0027672, MeSH D009386, MONDO:0015356.

Submission:

Ambry Genetics
Classification: Uncertain significance for Cardiovascular phenotype; Hereditary cancer-predisposing syndrome. Last evaluated: 2025-06-02. Review status: criteria provided, single submitter. Criteria: Ambry Variant Classification Scheme 2023. Collection method: clinical testing. Allele origin: germline.
Comment: The p.L620V variant (also known as c.1858C>G), located in coding exon 16 of the LZTR1 gene, results from a C to G substitution at nucleotide position 1858. The leucine at codon 620 is replaced by valine, an amino acid with highly similar properties. This amino acid position is conserved. In addition, the in silico prediction for this alteration is inconclusive. Based on the available evidence, the clinical significance of this variant remains unclear.